The following is an entry in ClinVar:

ClinVar aggregate classification (germline): Likely benign. Review status: criteria provided, multiple submitters, no conflicts (2 of 4 stars). 2 submissions from 2 submitters: Likely benign (2). Last evaluated 2025-07-14.

gnomAD v4.1: 3 of 1,613,842 alleles (0.00019%); highest among the groups gnomAD compares: South Asian, 0.0033%; no homozygotes.

Submissions (2):

Mayo Clinic Laboratories, Mayo Clinic
Classification: Likely benign. Last evaluated: 2025-07-14. Review status: criteria provided, single submitter. Criteria: ACMG Guidelines, 2015. Collection method: clinical testing. Allele origin: germline. Observed: 1 variant allele.
Comment: BP4, BP7, PM2_supporting

Labcorp Genetics (formerly Invitae), Labcorp
Classification: Likely benign. Last evaluated: 2024-04-22. Review status: criteria provided, single submitter. Criteria: Invitae Variant Classification Sherloc (09022015). Collection method: clinical testing. Allele origin: germline.

NM_002017.5(FLI1):c.333C>T (p.Gly111=)

Gene: FLI1 (Fli-1 proto-oncogene, ETS transcription factor; plus strand). Cytogenetic location: 11q24.3.
Variant type: single nucleotide variant.
Coding change: c.333C>T on transcript NM_002017.5 (MANE Select); coding-DNA position 333, C replaced by T.
Protein change: p.Gly111=; no amino-acid change (glycine 111 retained).
Molecular consequence: synonymous variant. On other transcripts: intron variant (1).
Genome position (GRCh38, 1-based): chr11:128,768,220, C>T. VCF-style: chr11-128768220-C-T. GRCh37 (hg19) VCF-style: chr11-128638115-C-T.
Other names: p.Gly111=; c.234C>T, p.Gly78= (NM_001167681.3); c.135C>T, p.Gly45= (NM_001271010.2); c.10+9894C>T (NM_001271012.2).
Identifiers: ClinVar variation 3650593 (VCV003650593.3).